The following is an entry in ClinVar:

ClinVar aggregate classification (germline): Uncertain significance (1 of 4 stars; one submission).

gnomAD v4.1: 6 of 1,613,642 alleles (0.00037%); highest among the groups gnomAD compares: Admixed American, 0.01%; 1 homozygote.

Submission:

Women's Health and Genetics/Laboratory Corporation of America, LabCorp
Classification: Uncertain significance. Last evaluated: 2025-09-11. Review status: criteria provided, single submitter. Criteria: LabCorp Variant Classification Summary - May 2015. Collection method: clinical testing. Allele origin: germline.
Comment: Variant summary: CDH23 c.753G>T (p.Pro251Pro) alters a conserved nucleotide located close to a canonical splice site and therefore could affect mRNA splicing, leading to a significantly altered protein sequence. Several computational tools predict a significant impact on normal splicing: Four predict the variant weakens a 5' donor site. However, these predictions have yet to be confirmed by functional studies. The variant allele was found at a frequency of 2e-05 in 249004 control chromosomes in the gnomAD database, including 1 homozygote. The available data on variant occurrences in the general population are insufficient to allow any conclusion about variant significance. To our knowledge, no occurrence of c.753G>T in individuals affected with CDH23-related conditions and no experimental evidence demonstrating its impact on protein function have been reported. No submitters have cited clinical-significance assessments for this variant to ClinVar. Based on the evidence outlined above, the variant was classified as uncertain significance.

Literature cited by the submitters: PubMed 33595068.

NM_022124.6(CDH23):c.753G>T (p.Pro251=)

Gene: CDH23 (cadherin related 23; plus strand). Cytogenetic location: 10q22.1.
Variant type: single nucleotide variant.
Coding change: c.753G>T on transcript NM_022124.6 (MANE Select); coding-DNA position 753, G replaced by T.
Protein change: p.Pro251=; no amino-acid change (proline 251 retained).
Molecular consequence: synonymous variant.
Genome position (GRCh38, 1-based): chr10:71,570,918, G>T. VCF-style: chr10-71570918-G-T. GRCh37 (hg19) VCF-style: chr10-73330675-G-T.
Other names: c.753G>T, p.Pro251= (NM_001171930.2, NM_001171931.2, NM_001171932.2 and 1 more transcripts).
Identifiers: ClinVar variation 4535577 (VCV004535577.1).